The following is an entry in ClinVar:

ClinVar aggregate classification (germline): Uncertain significance (1 of 4 stars; one submission).

Submission:

GeneDx
Classification: Uncertain significance. Last evaluated: 2024-07-15. Review status: criteria provided, single submitter. Criteria: GeneDx Variant Classification Process June 2021. Collection method: clinical testing. Allele origin: germline. Affected: yes.
Comment: Not observed at significant frequency in large population cohorts (gnomAD); Missense variant in a gene in which most reported pathogenic variants are truncating/loss of function; Has not been previously published as pathogenic or benign to our knowledge

NM_001267550.2(TTN):c.16C>T (p.Pro6Ser)

Gene: TTN (titin; minus strand). Cytogenetic location: 2q31.2.
Variant type: single nucleotide variant.
Coding change: c.16C>T on transcript NM_001267550.2 (MANE Select); coding-DNA position 16, C replaced by T.
Protein change: p.Pro6Ser; replaces proline 6 with serine.
Molecular consequence: missense variant.
Genome position (GRCh38, 1-based): chr2:178,804,627, G>A on the plus strand (C>T on the coding strand, the complement: TTN is on the minus strand). VCF-style: chr2-178804627-G-A. GRCh37 (hg19) VCF-style: chr2-179669354-G-A.
Other names: c.16C>T, p.Pro6Ser (NM_001256850.1, NM_003319.4, NM_133378.4 and 3 more transcripts); short protein forms P6S.
Identifiers: ClinVar variation 3573730 (VCV003573730.1).
Genomic context (GRCh38, chr2:178,804,627, plus strand): 5'-CAAAGGTTGCGGTACTACCCTCCAGTACCACAACGCTTTGTAACGGCTGCGTAAACGTCG[G>A]TGCTTGAGTTGTCATCTTTCTAGGCACTCTGAAAAAGAAGAGAAAATAAATTAGGGTGTC-3'
Protein context (NP_001254479.2, residues 1-16): MTTQA[Pro6Ser]TFTQPLQSVV